The following is an entry in ClinVar:

NM_020911.2(PLXNA4):c.3387C>T (p.Leu1129=)

Gene: PLXNA4 (plexin A4; minus strand). Cytogenetic location: 7q32.3.
Variant type: single nucleotide variant.
Coding change: c.3387C>T on transcript NM_020911.2 (MANE Select); coding-DNA position 3387, C replaced by T.
Protein change: p.Leu1129=; no amino-acid change (leucine 1129 retained).
Molecular consequence: synonymous variant.
Genome position (GRCh38, 1-based): chr7:132,181,486, G>A on the plus strand (C>T on the coding strand, the complement: PLXNA4 is on the minus strand). VCF-style: chr7-132181486-G-A. GRCh37 (hg19) VCF-style: chr7-131866245-G-A.
Other names: c.3387C>T, p.Leu1129= (NM_001393897.1).
Identifiers: ClinVar variation 3349939 (VCV003349939.1).

ClinVar aggregate classification (germline): Likely benign (0 of 4 stars; one submission).

Conditions:
PLXNA4-related disorder. Also called: PLXNA4-related condition.

gnomAD v4.1: 38 of 1,614,198 alleles (0.0024%); highest among the groups gnomAD compares: African/African-American, 0.033%; no homozygotes.

Submission:

PreventionGenetics, part of Exact Sciences
Classification: Likely benign for PLXNA4-related condition. Last evaluated: 2024-07-21. Review status: no assertion criteria provided. Collection method: clinical testing. Allele origin: germline.
Comment: This variant is classified as likely benign based on ACMG/AMP sequence variant interpretation guidelines (Richards et al. 2015 PMID: 25741868, with internal and published modifications).